The following is an entry in ClinVar:

ClinVar aggregate classification (germline): Uncertain significance (1 of 4 stars; one submission).

Submission:

Labcorp Genetics (formerly Invitae), Labcorp
Classification: Uncertain significance. Last evaluated: 2022-07-12. Review status: criteria provided, single submitter. Criteria: Invitae Variant Classification Sherloc (09022015). Collection method: clinical testing. Allele origin: germline.
Comment: Algorithms developed to predict the effect of missense changes on protein structure and function (SIFT, PolyPhen-2, Align-GVGD) all suggest that this variant is likely to be tolerated. In summary, the available evidence is currently insufficient to determine the role of this variant in disease. Therefore, it has been classified as a Variant of Uncertain Significance. This variant has not been reported in the literature in individuals affected with TTC37-related conditions. This variant is not present in population databases (gnomAD no frequency). This sequence change replaces tyrosine, which is neutral and polar, with phenylalanine, which is neutral and non-polar, at codon 972 of the TTC37 protein (p.Tyr972Phe).

NM_014639.4(SKIC3):c.2915A>T (p.Tyr972Phe)

Gene: SKIC3 (SKI3 subunit of superkiller complex; minus strand). Cytogenetic location: 5q15.
Variant type: single nucleotide variant.
Coding change: c.2915A>T on transcript NM_014639.4 (MANE Select); coding-DNA position 2915, A replaced by T.
Protein change: p.Tyr972Phe; replaces tyrosine 972 with phenylalanine.
Molecular consequence: missense variant.
Genome position (GRCh38, 1-based): chr5:95,512,482, T>A on the plus strand (A>T on the coding strand, the complement: SKIC3 is on the minus strand). VCF-style: chr5-95512482-T-A. GRCh37 (hg19) VCF-style: chr5-94848186-T-A.
Other names: short protein forms Y972F.
Identifiers: ClinVar variation 2046991 (VCV002046991.4), dbSNP rs760846971, ClinGen allele CA360455176.